The following is an entry in ClinVar:

NM_005708.5(GPC6):c.1228G>A (p.Glu410Lys)

Gene: GPC6 (glypican 6; plus strand). Cytogenetic location: 13q31.3.
Variant type: single nucleotide variant.
Coding change: c.1228G>A on transcript NM_005708.5 (MANE Select); coding-DNA position 1228, G replaced by A.
Protein change: p.Glu410Lys; replaces glutamic acid 410 with lysine.
Molecular consequence: missense variant.
Genome position (GRCh38, 1-based): chr13:94,382,489, G>A. VCF-style: chr13-94382489-G-A. GRCh37 (hg19) VCF-style: chr13-95034743-G-A.
Other names: short protein forms E410K.
Identifiers: ClinVar variation 1806178 (VCV001806178.1), dbSNP rs750083755, ClinGen allele CA7017121.

ClinVar aggregate classification (germline): Uncertain significance (1 of 4 stars; one submission).

Conditions:
Autosomal recessive omodysplasia (OMOD1). Also called: MICROMELIC DYSPLASIA, CONGENITAL, WITH DISLOCATION OF RADIUS. Identifiers: Orphanet 2733, Orphanet 93329, MedGen C1850318, MONDO:0009779, OMIM 258315.

gnomAD v4.1: 43 of 1,614,162 alleles (0.0027%); highest among the groups gnomAD compares: East Asian, 0.013%; no homozygotes.

Submission:

Victorian Clinical Genetics Services, Murdoch Childrens Research Institute
Classification: Uncertain significance for Autosomal recessive omodysplasia. Last evaluated: 2021-05-06. Review status: criteria provided, single submitter. Criteria: ACMG Guidelines, 2015. Collection method: clinical testing. Allele origin: germline. Inheritance: Autosomal recessive inheritance.
Comment: Based on the classification scheme VCGS_Germline_v1.3.4, this variant is classified as 3C-VUS. Following criteria are met: 0102 - Loss of function is a known mechanism of disease in this gene and is associated with omodysplasia 1 (MIM#258315). (I) 0106 - This gene is associated with autosomal recessive disease. (I) 0200 - Variant is predicted to result in a missense amino acid change from glutamic acid to lysine. (I) 0251 - This variant is heterozygous. (I) 0304 - Variant is present in gnomAD (v2) <0.01 for a recessive condition (6 heterozygotes, 0 homozygotes). (SP) 0309 - Alternative amino acid changes at the same position have been observed in gnomAD (v2 & v3) (34 heterozygotes, 0 homozygotes). (I) 0502 - Missense variant with conflicting in silico predictions and uninformative conservation. (I) 0600 - Variant is located in the annotated glypican domain (NCBI). (I) 0705 - No comparable missense variants have previous evidence for pathogenicity. (I) 0807 - This variant has no previous evidence of pathogenicity. (I) 0905 - No published segregation evidence has been identified for this variant. (I) 1007 - No published functional evidence has been identified for this variant. (I) 1208 - Inheritance information for this variant is not currently available in this individual. (I) Legend: (SP) - Supporting pathogenic, (I) - Information, (SB) - Supporting benign